The following is an entry in ClinVar:

ClinVar aggregate classification (germline): Uncertain significance (1 of 4 stars; one submission).

Conditions:
ARID1B-Related Disorder. Identifiers: MedGen CN381337.

gnomAD v4.1: 1 of 1,600,200 alleles (0.000062%); highest among the groups gnomAD compares: Non-Finnish European, 0.000085%; no homozygotes.

Submission:

PreventionGenetics, part of Exact Sciences
Classification: Uncertain significance for ARID1B-related condition. Last evaluated: 2025-08-18. Review status: criteria provided, single submitter. Criteria: ACMG Guidelines, 2015. Collection method: clinical testing. Allele origin: germline.
Comment: The ARID1B c.4106A>G variant is predicted to result in the amino acid substitution p.Gln1369Arg. To our knowledge, this variant has not been reported in the literature. This variant is reported in 0.00097% of alleles in individuals of European (Non-Finnish) descent in gnomAD. At this time, the clinical significance of this variant is uncertain due to the absence of conclusive functional and genetic evidence.

NM_001374828.1(ARID1B):c.4475A>G (p.Gln1492Arg)

Gene: ARID1B (AT-rich interaction domain 1B; plus strand). Cytogenetic location: 6q25.3.
Variant type: single nucleotide variant.
Coding change: c.4475A>G on transcript NM_001374828.1 (MANE Select); coding-DNA position 4475, A replaced by G.
Protein change: p.Gln1492Arg; replaces glutamine 1492 with arginine.
Molecular consequence: missense variant.
Genome position (GRCh38, 1-based): chr6:157,198,903, A>G. VCF-style: chr6-157198903-A-G. GRCh37 (hg19) VCF-style: chr6-157520037-A-G.
Other names: c.4106A>G (NM_020732.3); c.1976A>G, p.Gln659Arg (NM_001363725.2); c.4355A>G, p.Gln1452Arg (NM_001371656.1, NM_001374820.1); c.4604A>G, p.Gln1535Arg (NM_001438482.1); c.4517A>G, p.Gln1506Arg (NM_001438483.1); c.4385A>G, p.Gln1462Arg (NM_001438485.1); c.4358A>G, p.Gln1453Arg (NM_001438486.1); c.4295A>G, p.Gln1432Arg (NM_001438487.1); and 2 more; short protein forms Q1432R, Q1452R, Q1462R, Q1492R, Q659R, Q1439R, Q1506R, Q1535R.
Identifiers: ClinVar variation 4995660 (VCV004995660.1).